The following is an entry in ClinVar:

NM_000094.4(COL7A1):c.2377C>T (p.Arg793Trp)

Gene: COL7A1 (collagen type VII alpha 1 chain; minus strand). Cytogenetic location: 3p21.31.
Variant type: single nucleotide variant.
Coding change: c.2377C>T on transcript NM_000094.4 (MANE Select); coding-DNA position 2377, C replaced by T.
Protein change: p.Arg793Trp; replaces arginine 793 with tryptophan.
Molecular consequence: missense variant.
Genome position (GRCh38, 1-based): chr3:48,588,933, G>A on the plus strand (C>T on the coding strand, the complement: COL7A1 is on the minus strand). VCF-style: chr3-48588933-G-A. GRCh37 (hg19) VCF-style: chr3-48626366-G-A.
Other names: short protein forms R793W.
Identifiers: ClinVar variation 1377713 (VCV001377713.3), dbSNP rs778104401, ClinGen allele CA2380903.

ClinVar aggregate classification (germline): Uncertain significance (1 of 4 stars; one submission).

Allele frequency attached by ClinVar (database versions not stated): TOPMed 0.00001; gnomAD 0.00001; gnomAD exomes 0.00001; ExAC 0.00001.
gnomAD v4.1: 9 of 1,613,550 alleles (0.00056%); highest among the groups gnomAD compares: East Asian, 0.0067%; no homozygotes.

Submission:

Labcorp Genetics (formerly Invitae), Labcorp
Classification: Uncertain significance. Last evaluated: 2021-09-14. Review status: criteria provided, single submitter. Criteria: Invitae Variant Classification Sherloc (09022015). Collection method: clinical testing. Allele origin: germline.
Comment: This sequence change replaces arginine with tryptophan at codon 793 of the COL7A1 protein (p.Arg793Trp). The arginine residue is moderately conserved and there is a moderate physicochemical difference between arginine and tryptophan. This variant is present in population databases (rs778104401, ExAC 0.02%). This variant has not been reported in the literature in individuals affected with COL7A1-related conditions. Advanced modeling of protein sequence and biophysical properties (such as structural, functional, and spatial information, amino acid conservation, physicochemical variation, residue mobility, and thermodynamic stability) performed at Invitae indicates that this missense variant is expected to disrupt COL7A1 protein function. In summary, the available evidence is currently insufficient to determine the role of this variant in disease. Therefore, it has been classified as a Variant of Uncertain Significance.